The following is an entry in ClinVar:

NM_000179.3(MSH6):c.2239C>G (p.Leu747Val)

Gene: MSH6 (mutS homolog 6; plus strand). Cytogenetic location: 2p16.3.
Variant type: single nucleotide variant.
Coding change: c.2239C>G on transcript NM_000179.3 (MANE Select); coding-DNA position 2239, C replaced by G.
Protein change: p.Leu747Val; replaces leucine 747 with valine.
Molecular consequence: missense variant.
Genome position (GRCh38, 1-based): chr2:47,800,222, C>G. VCF-style: chr2-47800222-C-G. GRCh37 (hg19) VCF-style: chr2-48027361-C-G.
Other names: c.1333C>G, p.Leu445Val (NM_001406815.1, NM_001406816.1, NM_001406823.1 and 6 more transcripts); c.1942C>G, p.Leu648Val (NM_001406818.1, NM_001406819.1, NM_001406820.1 and 10 more transcripts); c.1849C>G, p.Leu617Val (NM_001281492.2); c.2335C>G, p.Leu779Val (NM_001406795.1, NM_001406802.1); c.2239C>G, p.Leu747Val (NM_001406796.1, NM_001406798.1, NM_001406800.1 and 3 more transcripts); c.1714C>G, p.Leu572Val (NM_001406799.1, NM_001406806.1, NM_001406807.1); c.2161C>G, p.Leu721Val (NM_001406804.1); c.2245C>G, p.Leu749Val (NM_001406813.1); and 1 more; short protein forms L445V, L747V, L779V, L749V, L572V, L648V, L691V, L617V.
Identifiers: ClinVar variation 2050489 (VCV002050489.5), dbSNP rs63751305, ClinGen allele CA346752579.

ClinVar aggregate classification (germline): Uncertain significance. Review status: criteria provided, multiple submitters, no conflicts (2 of 4 stars). 2 submissions from 2 submitters: Uncertain significance (2). Last evaluated 2026-08-26.

Conditions:
Hereditary nonpolyposis colorectal neoplasms. Identifiers: MedGen C0009405, MeSH D003123.
Hereditary cancer-predisposing syndrome. Also called: Hereditary neoplastic syndrome; Neoplastic Syndromes, Hereditary; Tumor predisposition; Hereditary Cancer Syndrome. Identifiers: Orphanet 140162, MedGen C0027672, MeSH D009386, MONDO:0015356.

Submissions (2):

Ambry Genetics
Classification: Uncertain significance for Hereditary cancer-predisposing syndrome. Last evaluated: 2026-08-26. Review status: criteria provided, single submitter. Criteria: Ambry Variant Classification Scheme 2023. Collection method: clinical testing. Allele origin: germline.
Comment: The p.L747V variant (also known as c.2239C>G), located in coding exon 4 of the MSH6 gene, results from a C to G substitution at nucleotide position 2239. The leucine at codon 747 is replaced by valine, an amino acid with highly similar properties. This amino acid position is not well conserved in available vertebrate species. In addition, this alteration is predicted to be tolerated by in silico analysis. Based on the available evidence, the clinical significance of this variant remains unclear.

Labcorp Genetics (formerly Invitae), Labcorp
Classification: Uncertain significance for Hereditary nonpolyposis colorectal neoplasms. Last evaluated: 2022-07-21. Review status: criteria provided, single submitter. Criteria: Invitae Variant Classification Sherloc (09022015). Collection method: clinical testing. Allele origin: germline.
Comment: This sequence change replaces leucine, which is neutral and non-polar, with valine, which is neutral and non-polar, at codon 747 of the MSH6 protein (p.Leu747Val). This variant is not present in population databases (gnomAD no frequency). This variant has not been reported in the literature in individuals affected with MSH6-related conditions. Advanced modeling of protein sequence and biophysical properties (such as structural, functional, and spatial information, amino acid conservation, physicochemical variation, residue mobility, and thermodynamic stability) performed at Invitae indicates that this missense variant is not expected to disrupt MSH6 protein function. In summary, the available evidence is currently insufficient to determine the role of this variant in disease. Therefore, it has been classified as a Variant of Uncertain Significance.